The following is an entry in ClinVar:

NM_004991.4(MECOM):c.2408G>A (p.Ser803Asn)

Gene: MECOM (MDS1 and EVI1 complex locus; minus strand). Cytogenetic location: 3q26.2.
Variant type: single nucleotide variant.
Coding change: c.2408G>A on transcript NM_004991.4 (MANE Select); coding-DNA position 2408, G replaced by A.
Protein change: p.Ser803Asn; replaces serine 803 with asparagine.
Molecular consequence: missense variant.
Genome position (GRCh38, 1-based): chr3:169,115,464, C>T on the plus strand (G>A on the coding strand, the complement: MECOM is on the minus strand). VCF-style: chr3-169115464-C-T. GRCh37 (hg19) VCF-style: chr3-168833252-C-T.
Other names: c.2039G>A, p.Ser680Asn (NM_001105077.4); c.1844G>A, p.Ser615Asn (NM_001105078.4, NM_001164000.2, NM_001205194.2 and 4 more transcripts); c.1847G>A, p.Ser616Asn (NM_001163999.2, NM_001366467.2, NM_001366468.2 and 1 more transcripts); c.2408G>A, p.Ser803Asn (NM_001366466.2); c.1436G>A, p.Ser479Asn (NM_001366473.2); c.872G>A, p.Ser291Asn (NM_001366474.2); short protein forms S291N, S479N, S680N, S803N, S616N, S615N.
Identifiers: ClinVar variation 4053151 (VCV004053151.1).

ClinVar aggregate classification (germline): Uncertain significance (1 of 4 stars; one submission).

Conditions:
Inborn genetic diseases. Identifiers: MedGen C0950123, MeSH D030342.

Submission:

Ambry Genetics
Classification: Uncertain significance for Inborn genetic diseases. Last evaluated: 2025-04-06. Review status: criteria provided, single submitter. Criteria: Ambry Variant Classification Scheme 2023. Collection method: clinical testing. Allele origin: germline.
Comment: The p.S803N variant (also known as c.2408G>A), located in coding exon 8 of the MECOM gene, results from a G to A substitution at nucleotide position 2408. The serine at codon 803 is replaced by asparagine, an amino acid with highly similar properties. This amino acid position is conserved. In addition, this alteration is predicted to be tolerated by in silico analysis. Based on the available evidence, the clinical significance of this variant remains unclear.